The following is an entry in ClinVar:

ClinVar aggregate classification (germline): Uncertain significance. Review status: criteria provided, multiple submitters, no conflicts (2 of 4 stars). 3 submissions from 3 submitters: Uncertain significance (3). Last evaluated 2025-02-23.

Conditions:
Inborn genetic diseases. Identifiers: MedGen C0950123, MeSH D030342.
Intellectual developmental disorder, autosomal dominant 1. Also called: MBD5 Haploinsufficiency; Intellectual disability, autosomal dominant 1. Identifiers: Orphanet 228402, MedGen C1969562, MONDO:0007974, OMIM 156200.

Allele frequency attached by ClinVar (database versions not stated): TOPMed below 0.00001; ExAC 0.00001; gnomAD 0.00001.
gnomAD v4.1: 10 of 1,613,696 alleles (0.00062%); highest among the groups gnomAD compares: Non-Finnish European, 0.00085%; no homozygotes.

Submissions (3):

Labcorp Genetics (formerly Invitae), Labcorp
Classification: Uncertain significance for Intellectual developmental disorder, autosomal dominant 1. Last evaluated: 2025-02-23. Review status: criteria provided, single submitter. Criteria: Invitae Variant Classification Sherloc (09022015). Collection method: clinical testing. Allele origin: germline.
Comment: This sequence change replaces histidine, which is basic and polar, with arginine, which is basic and polar, at codon 469 of the MBD5 protein (p.His469Arg). This variant is present in population databases (rs766571687, gnomAD 0.0009%). This variant has not been reported in the literature in individuals affected with MBD5-related conditions. ClinVar contains an entry for this variant (Variation ID: 199150). Invitae Evidence Modeling of protein sequence and biophysical properties (such as structural, functional, and spatial information, amino acid conservation, physicochemical variation, residue mobility, and thermodynamic stability) has been performed for this missense variant. However, the output from this modeling did not meet the statistical confidence thresholds required to predict the impact of this variant on MBD5 protein function. In summary, the available evidence is currently insufficient to determine the role of this variant in disease. Therefore, it has been classified as a Variant of Uncertain Significance.

Ambry Genetics
Classification: Uncertain significance for Inborn genetic diseases. Last evaluated: 2024-07-10. Review status: criteria provided, single submitter. Criteria: Ambry Variant Classification Scheme 2023. Collection method: clinical testing. Allele origin: germline.

Eurofins Ntd Llc (ga)
Classification: Uncertain significance. Last evaluated: 2015-05-20. Review status: criteria provided, single submitter. Criteria: EGL Classification Definitions 2015. Collection method: clinical testing. Allele origin: germline. Observed: 2 variant alleles, 2 heterozygotes.

NM_001378120.1(MBD5):c.1406A>G (p.His469Arg)

Gene: MBD5 (methyl-CpG binding domain protein 5; plus strand). Cytogenetic location: 2q23.1.
Variant type: single nucleotide variant.
Coding change: c.1406A>G on transcript NM_001378120.1 (MANE Select); coding-DNA position 1406, A replaced by G.
Protein change: p.His469Arg; replaces histidine 469 with arginine.
Molecular consequence: missense variant.
Genome position (GRCh38, 1-based): chr2:148,469,349, A>G. VCF-style: chr2-148469349-A-G. GRCh37 (hg19) VCF-style: chr2-149226918-A-G.
Other names: c.1406A>G, p.His469Arg (NM_018328.5); short protein forms H469R.
Identifiers: ClinVar variation 199150 (VCV000199150.17), dbSNP rs766571687, ClinGen allele CA248199.